The following is an entry in ClinVar:

ClinVar aggregate classification (germline): Pathogenic (1 of 4 stars; one submission).

Conditions:
Dilated cardiomyopathy 1O (CMD1O). Also called: CARDIOMYOPATHY, DILATED, WITH VENTRICULAR TACHYCARDIA. Identifiers: Orphanet 154, MedGen C1837839, MONDO:0012062, OMIM 608569.

Allele frequency attached by ClinVar (database versions not stated): TOPMed 0.00001.

Submission:

Labcorp Genetics (formerly Invitae), Labcorp
Classification: Pathogenic for Dilated cardiomyopathy 1O. Last evaluated: 2024-10-01. Review status: criteria provided, single submitter. Criteria: Invitae Variant Classification Sherloc (09022015). Collection method: clinical testing. Allele origin: germline.
Comment: This sequence change creates a premature translational stop signal (p.Ser562Argfs*5) in the ABCC9 gene. It is expected to result in an absent or disrupted protein product. Loss-of-function variants in ABCC9 are known to be pathogenic (PMID: 31575858, 38217872). This variant is not present in population databases (gnomAD no frequency). This variant has not been reported in the literature in individuals affected with ABCC9-related conditions. ClinVar contains an entry for this variant (Variation ID: 841170). For these reasons, this variant has been classified as Pathogenic.

Literature cited by the submitters: PubMed 31575858; PubMed 38217872.

NM_020297.4(ABCC9):c.1686del (p.Ser562fs)

Gene: ABCC9 (ATP binding cassette subfamily C member 9; minus strand). Cytogenetic location: 12p12.1.
Variant type: Deletion.
Coding change: c.1686del on transcript NM_020297.4 (MANE Select); coding-DNA position 1686, one base deleted (T; older notation c.1686delT).
Protein change: p.Ser562fs; shifts the reading frame from serine 562.
Molecular consequence: frameshift variant.
Genome position (GRCh38, 1-based): chr12:21,894,148, A deleted on the plus strand (T on the coding strand, the reverse complement: ABCC9 is on the minus strand). VCF-style (leftmost placement, unchanged base first): chr12-21894147-CA-C. GRCh37 (hg19) VCF-style: chr12-22047081-CA-C.
Other names: c.1686del, p.Ser562fs (NM_001377273.1, NM_005691.4); c.822del, p.Ser274fs (NM_001377274.1); short protein forms S274fs, S562fs.
Identifiers: ClinVar variation 841170 (VCV000841170.7), dbSNP rs1415997308, ClinGen allele CA686441164.